The following is an entry in ClinVar:

ClinVar aggregate classification (germline): Uncertain significance (1 of 4 stars; one submission).

Conditions:
Loeys-Dietz syndrome 4 (LDS4). Also called: ANEURYSM, AORTIC AND CEREBRAL, WITH ARTERIAL TORTUOSITY AND SKELETAL MANIFESTATIONS; TGFB2-Related Loeys-Dietz Syndrome. Identifiers: MedGen C3553762, MONDO:0013897, OMIM 614816.

Submission:

Labcorp Genetics (formerly Invitae), Labcorp
Classification: Uncertain significance for Loeys-Dietz syndrome 4. Last evaluated: 2025-10-01. Review status: criteria provided, single submitter. Criteria: Invitae Variant Classification Sherloc (09022015). Collection method: clinical testing. Allele origin: germline.
Comment: This sequence change affects codon 6 of the TGFB2 mRNA. It is a 'silent' change, meaning that it does not change the encoded amino acid sequence of the TGFB2 protein. This variant is not present in population databases (gnomAD no frequency). This variant has not been reported in the literature in individuals affected with TGFB2-related conditions. Algorithms developed to predict the effect of sequence changes on RNA splicing suggest that this variant may create or strengthen a splice site. In summary, the available evidence is currently insufficient to determine the role of this variant in disease. Therefore, it has been classified as a Variant of Uncertain Significance.

NM_003238.6(TGFB2):c.18G>A (p.Leu6=)

Gene: TGFB2 (transforming growth factor beta 2; plus strand). Cytogenetic location: 1q41.
Variant type: single nucleotide variant.
Coding change: c.18G>A on transcript NM_003238.6 (MANE Select); coding-DNA position 18, G replaced by A.
Protein change: p.Leu6=; no amino-acid change (leucine 6 retained).
Molecular consequence: synonymous variant. On other transcripts: non-coding transcript variant (2).
Genome position (GRCh38, 1-based): chr1:218,346,719, G>A. VCF-style: chr1-218346719-G-A. GRCh37 (hg19) VCF-style: chr1-218520061-G-A.
Other names: c.18G>A, p.Leu6= (NM_001135599.4).
Identifiers: ClinVar variation 4739776 (VCV004739776.1).